The following is an entry in ClinVar:

ClinVar aggregate classification (germline): Uncertain significance. Review status: criteria provided, multiple submitters, no conflicts (2 of 4 stars). 3 submissions from 3 submitters: Uncertain significance (3). Last evaluated 2026-01-06.

Allele frequency attached by ClinVar (database versions not stated): gnomAD 0.00001; TOPMed 0.00001.

Submissions (3):

Labcorp Genetics (formerly Invitae), Labcorp
Classification: Uncertain significance. Last evaluated: 2026-01-06. Review status: criteria provided, single submitter. Criteria: Invitae Variant Classification Sherloc (09022015). Collection method: clinical testing. Allele origin: germline.
Comment: This sequence change replaces leucine, which is neutral and non-polar, with valine, which is neutral and non-polar, at codon 186 of the SRP72 protein (p.Leu186Val). This variant is present in population databases (no rsID available, gnomAD 0.009%). This variant has not been reported in the literature in individuals affected with SRP72-related conditions. ClinVar contains an entry for this variant (Variation ID: 2985032). Invitae Evidence Modeling of protein sequence and biophysical properties (such as structural, functional, and spatial information, amino acid conservation, physicochemical variation, residue mobility, and thermodynamic stability) indicates that this missense variant is expected to disrupt SRP72 protein function with a positive predictive value of 80%. In summary, the available evidence is currently insufficient to determine the role of this variant in disease. Therefore, it has been classified as a Variant of Uncertain Significance.

Ambry Genetics
Classification: Uncertain significance. Last evaluated: 2025-01-19. Review status: criteria provided, single submitter. Criteria: Ambry Variant Classification Scheme 2023. Collection method: clinical testing. Allele origin: germline.
Comment: The p.L186V variant (also known as c.556C>G), located in coding exon 5 of the SRP72 gene, results from a C to G substitution at nucleotide position 556. The leucine at codon 186 is replaced by valine, an amino acid with highly similar properties. This amino acid position is conserved. In addition, this alteration is predicted to be deleterious by in silico analysis. Based on the available evidence, the clinical significance of this variant remains unclear.

Genetic Services Laboratory, University of Chicago
Classification: Uncertain significance. Last evaluated: 2024-06-13. Review status: criteria provided, single submitter. Criteria: ACMG Guidelines, 2015. Collection method: clinical testing. Allele origin: germline. Affected: no.
Comment: DNA sequence analysis of the SRP72 gene demonstrated a sequence change, c.556C>G, in exon 5 that results in an amino acid change, p.Leu186Val. This sequence change does not appear to have been previously described in individuals with SRP72-related disorders. This sequence change has been described in the gnomAD database with a frequency of 0.001% in the overall population (dbSNP rs1229764700). The p.Leu186Val change affects a poorly conserved amino acid residue located in a domain of the SRP72 protein that is known to be functional. In-silico pathogenicity prediction tools (SIFT, PolyPhen2, Align GVGD, REVEL) provide contradictory results for the p.Leu186Val substitution. Due to insufficient evidences and the lack of functional studies, the clinical significance of the p.Leu186Val change remains unknown at this time.

NM_006947.4(SRP72):c.556C>G (p.Leu186Val)

Gene: SRP72 (signal recognition particle 72; plus strand). Cytogenetic location: 4q12.
Variant type: single nucleotide variant.
Coding change: c.556C>G on transcript NM_006947.4 (MANE Select); coding-DNA position 556, C replaced by G.
Protein change: p.Leu186Val; replaces leucine 186 with valine.
Molecular consequence: missense variant. On other transcripts: non-coding transcript variant (1).
Genome position (GRCh38, 1-based): chr4:56,474,337, C>G. VCF-style: chr4-56474337-C-G. GRCh37 (hg19) VCF-style: chr4-57340503-C-G.
Other names: c.556C>G (NM_006947.3); c.556C>G, p.Leu186Val (NM_001267722.2); short protein forms L186V.
Identifiers: ClinVar variation 2985032 (VCV002985032.6), dbSNP rs1229764700, ClinGen allele CA356997024.